The following is an entry in ClinVar:

ClinVar aggregate classification (germline): Pathogenic. Review status: reviewed by expert panel (3 of 4 stars). 2 submissions from 2 submitters: Pathogenic (1). 1 of the submissions does not count toward it. Last evaluated 2016-09-08.

Conditions:
Breast-ovarian cancer, familial, susceptibility to, 2 (BROVCA2). Also called: BRCA2 Hereditary Breast and Ovarian Cancer. Identifiers: Orphanet 145, MedGen C2675520, MONDO:0012933, OMIM 612555. Disease mechanism: loss of function.

Submissions (2):

Evidence-based Network for the Interpretation of Germline Mutant Alleles (ENIGMA)
Classification: Pathogenic for Breast-ovarian cancer, familial, susceptibility to, 2. Last evaluated: 2016-09-08. Review status: reviewed by expert panel. Criteria: ENIGMA BRCA1/2 Classification Criteria (2015). Collection method: curation. Allele origin: germline.
Comment: Variant allele predicted to encode a truncated non-functional protein.

Consortium of Investigators of Modifiers of BRCA1/2 (CIMBA), c/o University of Cambridge
Classification: Pathogenic for Breast-ovarian cancer, familial, susceptibility to, 2. Last evaluated: 2015-10-02. Review status: criteria provided, single submitter. Criteria: CIMBA Mutation Classification guidelines May 2016. Collection method: clinical testing. Allele origin: germline. Not counted in ClinVar's aggregate classification.

NM_000059.4(BRCA2):c.7248del (p.His2417fs)

Gene: BRCA2 (BRCA2 DNA repair associated; plus strand). Cytogenetic location: 13q13.1.
Variant type: Deletion.
Coding change: c.7248del on transcript NM_000059.4 (MANE Select); coding-DNA position 7248, one base deleted (T; older notation c.7248delT).
Protein change: p.His2417fs; shifts the reading frame from histidine 2417.
Molecular consequence: frameshift variant.
Genome position (GRCh38, 1-based): chr13:32,355,101, T deleted; the last of 4 consecutive T bases (chr13:32,355,098-32,355,101); deleting any one gives the same sequence. VCF-style (leftmost placement, unchanged base first): chr13-32355097-AT-A. GRCh37 (hg19) VCF-style: chr13-32929234-AT-A.
Other names: c.7248delT (NM_000059.3).
Identifiers: ClinVar variation 254599 (VCV000254599.3), dbSNP rs886038163, ClinGen allele CA10586570.